The following is an entry in ClinVar:

ClinVar aggregate classification (germline): Uncertain significance. Review status: criteria provided, multiple submitters, no conflicts (2 of 4 stars). 2 submissions from 2 submitters: Uncertain significance (2). Last evaluated 2025-11-26.

Conditions:
Inborn genetic diseases. Identifiers: MedGen C0950123, MeSH D030342.
Recessive dystrophic epidermolysis bullosa (RDEB). Also called: DYSTROPHIC EPIDERMOLYSIS BULLOSA, AUTOSOMAL RECESSIVE; EPIDERMOLYSIS BULLOSA DYSTROPHICA, HALLOPEAU-SIEMENS TYPE; severe generalized recessive dystrophic epidermolysis bullosa; Epidermolysis Bullosa Distrophica Autosomal Recessive (RDEB); Hallopeau-Siemens Disease; epidermolysis bullosa dystrophica, autosomal recessive. Identifiers: Orphanet 79408, Orphanet 79409, MedGen C0079474, MONDO:0009179, OMIM 226600.
Epidermolysis bullosa dystrophica. Also called: Dystrophic epidermolysis bullosa, Hallopeau-Siemens type (formerly); Dystrophic epidermolysis bullosa. Identifiers: Orphanet 303, MedGen C0079294, MONDO:0006543.

Allele frequency attached by ClinVar (database versions not stated): gnomAD exomes below 0.00001 and 0.00001; TOPMed 0.00001; gnomAD 0.00001.
gnomAD v4.1: 3 of 1,593,178 alleles (0.00019%); highest among the groups gnomAD compares: Admixed American, 0.0054%; no homozygotes.

Submissions (2):

Ambry Genetics
Classification: Uncertain significance for Inborn genetic diseases. Last evaluated: 2025-11-26. Review status: criteria provided, single submitter. Criteria: Ambry Variant Classification Scheme 2023. Collection method: clinical testing. Allele origin: germline.
Comment: The c.3287T>A (p.L1096Q) alteration is located in exon 25 (coding exon 25) of the COL7A1 gene. This alteration results from a T to A substitution at nucleotide position 3287, causing the leucine (L) at amino acid position 1096 to be replaced by a glutamine (Q). Based on data from gnomAD, the A allele has an overall frequency of 0.001% (2/244042) total alleles studied. The highest observed frequency was 0.007% (2/30430) of Latino alleles. Based on insufficient or conflicting evidence, the clinical significance of this alteration remains unclear.

Labcorp Genetics (formerly Invitae), Labcorp
Classification: Uncertain significance. Last evaluated: 2025-10-06. Review status: criteria provided, single submitter. Criteria: Invitae Variant Classification Sherloc (09022015). Collection method: clinical testing. Allele origin: germline.
Comment: This sequence change replaces leucine, which is neutral and non-polar, with glutamine, which is neutral and polar, at codon 1096 of the COL7A1 protein (p.Leu1096Gln). This variant is present in population databases (no rsID available, gnomAD 0.007%). This variant has not been reported in the literature in individuals affected with COL7A1-related conditions. ClinVar contains an entry for this variant (Variation ID: 1177485). Invitae Evidence Modeling of protein sequence and biophysical properties (such as structural, functional, and spatial information, amino acid conservation, physicochemical variation, residue mobility, and thermodynamic stability) has been performed for this missense variant. However, the output from this modeling did not meet the statistical confidence thresholds required to predict the impact of this variant on COL7A1 protein function. In summary, the available evidence is currently insufficient to determine the role of this variant in disease. Therefore, it has been classified as a Variant of Uncertain Significance.

NM_000094.4(COL7A1):c.3287T>A (p.Leu1096Gln)

Gene: COL7A1 (collagen type VII alpha 1 chain; minus strand). Cytogenetic location: 3p21.31.
Variant type: single nucleotide variant.
Coding change: c.3287T>A on transcript NM_000094.4 (MANE Select); coding-DNA position 3287, T replaced by A.
Protein change: p.Leu1096Gln; replaces leucine 1096 with glutamine.
Molecular consequence: missense variant.
Genome position (GRCh38, 1-based): chr3:48,586,679, A>T on the plus strand (T>A on the coding strand, the complement: COL7A1 is on the minus strand). VCF-style: chr3-48586679-A-T. GRCh37 (hg19) VCF-style: chr3-48624112-A-T.
Other names: short protein forms L1096Q.
Identifiers: ClinVar variation 1177485 (VCV001177485.10), dbSNP rs1474365354, ClinGen allele CA352707794.